The following is an entry in ClinVar:

NM_001032283.3(TMPO):c.163G>A (p.Ala55Thr)

Genes: TMPO (thymopoietin; plus strand), TMPO-AS1 (TMPO antisense RNA 1; minus strand). Cytogenetic location: 12q23.1.
Variant type: single nucleotide variant.
Coding change: c.163G>A on transcript NM_001032283.3 (MANE Select); coding-DNA position 163, G replaced by A.
Protein change: p.Ala55Thr; replaces alanine 55 with threonine.
Molecular consequence: missense variant. On other transcripts: non-coding transcript variant (1).
Genome position (GRCh38, 1-based): chr12:98,516,030, G>A. VCF-style: chr12-98516030-G-A. GRCh37 (hg19) VCF-style: chr12-98909808-G-A.
Other names: NC_000012.11:g.98909808G>A; c.163G>A, p.Ala55Thr (NM_001032284.3, NM_001307975.2, NM_003276.2); short protein forms A55T.
Identifiers: ClinVar variation 3458762 (VCV003458762.2).

ClinVar aggregate classification (germline): Uncertain significance (1 of 4 stars; one submission).

Submissions (2):

Ambry Genetics
Classification: Uncertain significance. Last evaluated: 2024-10-21. Review status: criteria provided, single submitter. Criteria: Ambry Variant Classification Scheme 2023. Collection method: clinical testing. Allele origin: germline.
Comment: The p.A55T variant (also known as c.163G>A), located in coding exon 1 of the TMPO gene, results from a G to A substitution at nucleotide position 163. The alanine at codon 55 is replaced by threonine, an amino acid with similar properties. This amino acid position is conserved. In addition, this alteration is predicted to be tolerated by in silico analysis. Based on the available evidence, the clinical significance of this variant remains unclear.

Dr. Peter K. Rogan Lab, Western University
No classification provided (evidence only). Condition: Gastric cancer. Review status: no classification provided. Collection method: in vitro. Allele origin: not applicable. Functional consequence: retained intron. Not counted in ClinVar's aggregate classification.